The following is an entry in ClinVar:

ClinVar aggregate classification (germline): Uncertain significance (1 of 4 stars; one submission).

Conditions:
GM1 gangliosidosis. Identifiers: Orphanet 354, MedGen C0085131, MONDO:0018149.
Mucopolysaccharidosis, MPS-IV-B (MPS4B). Also called: Mucopolysaccharidosis type IV B; Mucopolysaccharidosis type 4B; MORQUIO SYNDROME B; Mucopolysaccharidosis type IVB (Morquio); MPS IVB; Mucopolysaccharidosis Type IVB. Identifiers: Orphanet 309310, Orphanet 582, MedGen C0086652, MONDO:0009660, OMIM 253010.

Allele frequency attached by ClinVar (database versions not stated): gnomAD exomes below 0.00001; ExAC 0.00001; TOPMed 0.00001.
gnomAD v4.1: 1 of 1,614,088 alleles (0.000062%); highest among the groups gnomAD compares: Admixed American, 0.0017%; no homozygotes.

Submission:

Labcorp Genetics (formerly Invitae), Labcorp
Classification: Uncertain significance for Mucopolysaccharidosis, MPS-IV-B; GM1 gangliosidosis. Last evaluated: 2022-10-25. Review status: criteria provided, single submitter. Criteria: Invitae Variant Classification Sherloc (09022015). Collection method: clinical testing. Allele origin: germline.
Comment: This sequence change replaces phenylalanine, which is neutral and non-polar, with leucine, which is neutral and non-polar, at codon 63 of the GLB1 protein (p.Phe63Leu). This variant is present in population databases (rs767562424, gnomAD 0.003%). This variant has not been reported in the literature in individuals affected with GLB1-related conditions. Algorithms developed to predict the effect of missense changes on protein structure and function (SIFT, PolyPhen-2, Align-GVGD) all suggest that this variant is likely to be tolerated. In summary, the available evidence is currently insufficient to determine the role of this variant in disease. Therefore, it has been classified as a Variant of Uncertain Significance.

NM_000404.4(GLB1):c.189C>G (p.Phe63Leu)

Gene: GLB1 (galactosidase beta 1; minus strand). Cytogenetic location: 3p22.3.
Variant type: single nucleotide variant.
Coding change: c.189C>G on transcript NM_000404.4 (MANE Select); coding-DNA position 189, C replaced by G.
Protein change: p.Phe63Leu; replaces phenylalanine 63 with leucine.
Molecular consequence: missense variant.
Genome position (GRCh38, 1-based): chr3:33,072,600, G>C on the plus strand (C>G on the coding strand, the complement: GLB1 is on the minus strand). VCF-style: chr3-33072600-G-C. GRCh37 (hg19) VCF-style: chr3-33114092-G-C.
Other names: c.99C>G, p.Phe33Leu (NM_001079811.3); c.189C>G, p.Phe63Leu (NM_001135602.3, NM_001393580.1); c.333C>G, p.Phe111Leu (NM_001317040.2); short protein forms F33L, F111L, F63L.
Identifiers: ClinVar variation 1926010 (VCV001926010.2), dbSNP rs767562424, ClinGen allele CA2299771.